The following is an entry in ClinVar:

ClinVar aggregate classification (germline): Likely benign (0 of 4 stars; one submission).

Conditions:
DISP3-related disorder. Also called: DISP3-related condition.

Allele frequency attached by ClinVar (database versions not stated): TOPMed 0.00018; gnomAD 0.00019; ExAC 0.00022; ESP Exome Variant Server 0.00024.
gnomAD v4.1: 305 of 1,613,082 alleles (0.019%); highest among the groups gnomAD compares: Non-Finnish European, 0.023%; 1 homozygote.

Submission:

PreventionGenetics, part of Exact Sciences
Classification: Likely benign for DISP3-related condition. Last evaluated: 2019-07-19. Review status: no assertion criteria provided. Collection method: clinical testing. Allele origin: germline.
Comment: This variant is classified as likely benign based on ACMG/AMP sequence variant interpretation guidelines (Richards et al. 2015 PMID: 25741868, with internal and published modifications).

NM_020780.2(DISP3):c.882C>T (p.Arg294=)

Gene: DISP3 (dispatched RND transporter family member 3; plus strand). Cytogenetic location: 1p36.22.
Variant type: single nucleotide variant.
Coding change: c.882C>T on transcript NM_020780.2 (MANE Select); coding-DNA position 882, C replaced by T.
Protein change: p.Arg294=; no amino-acid change (arginine 294 retained).
Molecular consequence: synonymous variant.
Genome position (GRCh38, 1-based): chr1:11,501,874, C>T. VCF-style: chr1-11501874-C-T. GRCh37 (hg19) VCF-style: chr1-11561931-C-T.
Identifiers: ClinVar variation 3050021 (VCV003050021.2), dbSNP rs371768702, ClinGen allele CA591522.